The following is an entry in ClinVar:

ClinVar aggregate classification (germline): Uncertain significance (1 of 4 stars; one submission).

Conditions:
Nephronophthisis 15 (NPHP15). Identifiers: Orphanet 3156, MedGen C3541853, MONDO:0013917, OMIM 614845.

Allele frequency attached by ClinVar (database versions not stated): gnomAD 0.00001; gnomAD exomes 0.00001; TOPMed 0.00002.
gnomAD v4.1: 16 of 1,614,104 alleles (0.00099%); highest among the groups gnomAD compares: Middle Eastern, 0.016%; no homozygotes.

Submission:

Labcorp Genetics (formerly Invitae), Labcorp
Classification: Uncertain significance for Nephronophthisis 15. Last evaluated: 2022-03-18. Review status: criteria provided, single submitter. Criteria: Invitae Variant Classification Sherloc (09022015). Collection method: clinical testing. Allele origin: germline.
Comment: This sequence change replaces leucine, which is neutral and non-polar, with proline, which is neutral and non-polar, at codon 147 of the CEP164 protein (p.Leu147Pro). This variant is present in population databases (no rsID available, gnomAD 0.007%). This variant has not been reported in the literature in individuals affected with CEP164-related conditions. Algorithms developed to predict the effect of missense changes on protein structure and function (SIFT, PolyPhen-2, Align-GVGD) all suggest that this variant is likely to be disruptive. In summary, the available evidence is currently insufficient to determine the role of this variant in disease. Therefore, it has been classified as a Variant of Uncertain Significance.

NM_014956.5(CEP164):c.440T>C (p.Leu147Pro)

Gene: CEP164 (centrosomal protein 164; plus strand). Cytogenetic location: 11q23.3.
Variant type: single nucleotide variant.
Coding change: c.440T>C on transcript NM_014956.5 (MANE Select); coding-DNA position 440, T replaced by C.
Protein change: p.Leu147Pro; replaces leucine 147 with proline.
Molecular consequence: missense variant.
Genome position (GRCh38, 1-based): chr11:117,361,881, T>C. VCF-style: chr11-117361881-T-C. GRCh37 (hg19) VCF-style: chr11-117232597-T-C.
Other names: c.440T>C, p.Leu147Pro (NM_001271933.2); short protein forms L147P.
Identifiers: ClinVar variation 2421200 (VCV002421200.3), dbSNP rs1285289383, ClinGen allele CA382730083.